The following is an entry in ClinVar:

ClinVar aggregate classification (germline): Uncertain significance (1 of 4 stars; one submission).

Conditions:
Adams-Oliver syndrome 5 (AOS5). Identifiers: Orphanet 974, MedGen C4014970, MONDO:0014459, OMIM 616028.

gnomAD v4.1: 2 of 1,612,504 alleles (0.00012%); highest among the groups gnomAD compares: African/African-American, 0.0013%; no homozygotes.

Submission:

Labcorp Genetics (formerly Invitae), Labcorp
Classification: Uncertain significance for Adams-Oliver syndrome 5. Last evaluated: 2019-07-16. Review status: criteria provided, single submitter. Criteria: Invitae Variant Classification Sherloc (09022015). Collection method: clinical testing. Allele origin: germline.
Comment: In summary, the available evidence is currently insufficient to determine the role of this variant in disease. Therefore, it has been classified as a Variant of Uncertain Significance. Algorithms developed to predict the effect of missense changes on protein structure and function (SIFT, PolyPhen-2, Align-GVGD) all suggest that this variant is likely to be tolerated, but these predictions have not been confirmed by published functional studies and their clinical significance is uncertain. This variant has not been reported in the literature in individuals with NOTCH1-related conditions. This variant is not present in population databases (ExAC no frequency). This sequence change replaces alanine with glycine at codon 1778 of the NOTCH1 protein (p.Ala1778Gly). The alanine residue is weakly conserved and there is a small physicochemical difference between alanine and glycine.

NM_017617.5(NOTCH1):c.5333C>G (p.Ala1778Gly)

Gene: NOTCH1 (notch receptor 1; minus strand). Cytogenetic location: 9q34.3.
Variant type: single nucleotide variant.
Coding change: c.5333C>G on transcript NM_017617.5 (MANE Select); coding-DNA position 5333, C replaced by G.
Protein change: p.Ala1778Gly; replaces alanine 1778 with glycine.
Molecular consequence: missense variant.
Genome position (GRCh38, 1-based): chr9:136,502,323, G>C on the plus strand (C>G on the coding strand, the complement: NOTCH1 is on the minus strand). VCF-style: chr9-136502323-G-C. GRCh37 (hg19) VCF-style: chr9-139396775-G-C.
Other names: short protein forms A1778G.
Identifiers: ClinVar variation 854901 (VCV000854901.9), dbSNP rs1422917398, ClinGen allele CA375640502.